The following is an entry in ClinVar:

ClinVar aggregate classification (germline): Likely benign. Review status: criteria provided, multiple submitters, no conflicts (2 of 4 stars). 2 submissions from 2 submitters: Likely benign (2). Last evaluated 2025-05-13.

gnomAD v4.1: 5 of 1,613,042 alleles (0.00031%); highest among the groups gnomAD compares: Admixed American, 0.0017%; no homozygotes.

Submissions (2):

Mayo Clinic Laboratories, Mayo Clinic
Classification: Likely benign. Last evaluated: 2025-05-13. Review status: criteria provided, single submitter. Criteria: ACMG Guidelines, 2015. Collection method: clinical testing. Allele origin: germline. Observed: 1 variant allele.
Comment: BP4, BP7

Labcorp Genetics (formerly Invitae), Labcorp
Classification: Likely benign. Last evaluated: 2023-07-27. Review status: criteria provided, single submitter. Criteria: Invitae Variant Classification Sherloc (09022015). Collection method: clinical testing. Allele origin: germline.

NM_001953.5(TYMP):c.215-7A>G

Genes: TYMP (thymidine phosphorylase; minus strand), LOC130067864 (ATAC-STARR-seq lymphoblastoid active region 19325; plus strand). Cytogenetic location: 22q13.33.
Variant type: single nucleotide variant.
Coding change: c.215-7A>G on transcript NM_001953.5 (MANE Select); 7 bases into the intron before coding-DNA position 215, A replaced by G.
Molecular consequence: intron variant.
Genome position (GRCh38, 1-based): chr22:50,529,345, T>C on the plus strand (A>G on the coding strand, the complement: TYMP is on the minus strand). VCF-style: chr22-50529345-T-C. GRCh37 (hg19) VCF-style: chr22-50967774-T-C.
Other names: p.?; c.215-7A>G (NM_001257989.1, NM_001257988.1, NM_001113755.3 and 1 more transcripts).
Identifiers: ClinVar variation 2883505 (VCV002883505.4), dbSNP rs755725878, ClinGen allele CA640357472.